The following is an entry in ClinVar:

NM_006859.4(LIAS):c.650G>A (p.Arg217Gln)

Gene: LIAS (lipoic acid synthetase; plus strand). Cytogenetic location: 4p14.
Variant type: single nucleotide variant.
Coding change: c.650G>A on transcript NM_006859.4 (MANE Select); coding-DNA position 650, G replaced by A.
Protein change: p.Arg217Gln; replaces arginine 217 with glutamine.
Molecular consequence: missense variant. On other transcripts: intron variant (1).
Genome position (GRCh38, 1-based): chr4:39,467,559, G>A. VCF-style: chr4-39467559-G-A. GRCh37 (hg19) VCF-style: chr4-39469179-G-A.
Other names: p.Arg217Gln; c.341G>A, p.Arg114Gln (NM_001363700.2); c.650G>A, p.Arg217Gln (NM_194451.3); c.608+2217G>A (NM_001278590.2); c.650G>A (NM_006859.2); short protein forms R217Q, R114Q.
Identifiers: ClinVar variation 577916 (VCV000577916.7), dbSNP rs570807277, ClinGen allele CA2894736.

ClinVar aggregate classification (germline): Uncertain significance. Review status: criteria provided, multiple submitters, no conflicts (2 of 4 stars). 3 submissions from 3 submitters: Uncertain significance (3). Last evaluated 2024-10-02.

Conditions:
Lipoic acid synthetase deficiency. Also called: HYPERGLYCINEMIA, LACTIC ACIDOSIS, AND SEIZURES. Identifiers: Orphanet 401859, MedGen C3280887, MONDO:0013762, OMIM 614462.

Allele frequency attached by ClinVar (database versions not stated): gnomAD 0.00001 and 0.00002; ExAC 0.00002; gnomAD exomes 0.00002; TOPMed 0.00004; 1000 Genomes Project 0.00020; 1000 Genomes Project 30x 0.00031.
gnomAD v4.1: 24 of 1,607,620 alleles (0.0015%); highest among the groups gnomAD compares: East Asian, 0.0045%; no homozygotes.

Submissions (3):

Athena Diagnostics
Classification: Uncertain significance. Last evaluated: 2024-10-02. Review status: criteria provided, single submitter. Criteria: Athena Diagnostics Criteria. Collection method: clinical testing. Allele origin: unknown.
Comment: Available data are insufficient to determine the clinical significance of the variant at this time. The frequency of this variant in the general population is uninformative in assessment of its pathogenicity. Polyphen and MutationTaster predict this amino acid change may be damaging to the protein.

Mayo Clinic Laboratories, Mayo Clinic
Classification: Uncertain significance. Last evaluated: 2022-10-13. Review status: criteria provided, single submitter. Criteria: ACMG Guidelines, 2015. Collection method: clinical testing. Allele origin: germline. Observed: 1 variant allele.
Comment: PM2

Labcorp Genetics (formerly Invitae), Labcorp
Classification: Uncertain significance for Lipoic acid synthetase deficiency. Last evaluated: 2021-08-27. Review status: criteria provided, single submitter. Criteria: Invitae Variant Classification Sherloc (09022015). Collection method: clinical testing. Allele origin: germline.